The following is an entry in ClinVar:

ClinVar aggregate classification (germline): Uncertain significance (1 of 4 stars; one submission).

Conditions:
Generalized epilepsy with febrile seizures plus, type 7 (GEFSP7). Also called: GEFS+, TYPE 7. Identifiers: Orphanet 36387, MedGen C2751778, MONDO:0013470, OMIM 613863.
Neuropathy, hereditary sensory and autonomic, type 2A (HSAN2A). Also called: ACROOSTEOLYSIS, GIACCAI TYPE; ACROOSTEOLYSIS, NEUROGENIC; WNK1-Related HSAN2 (HSAN2A); HSAN IIA; MORVAN DISEASE; NEUROPATHY, CONGENITAL SENSORY. Identifiers: Orphanet 970, MedGen C2752089, MONDO:0024309, OMIM 201300.

Submission:

Labcorp Genetics (formerly Invitae), Labcorp
Classification: Uncertain significance for Neuropathy, hereditary sensory and autonomic, type 2A; Generalized epilepsy with febrile seizures plus, type 7. Last evaluated: 2025-08-29. Review status: criteria provided, single submitter. Criteria: Invitae Variant Classification Sherloc (09022015). Collection method: clinical testing. Allele origin: germline.
Comment: This sequence change replaces phenylalanine, which is neutral and non-polar, with serine, which is neutral and polar, at codon 351 of the SCN9A protein (p.Phe351Ser). The frequency data for this variant in the population databases is considered unreliable, as metrics indicate poor data quality at this position in the gnomAD database. This variant has not been reported in the literature in individuals affected with SCN9A-related conditions. ClinVar contains an entry for this variant (Variation ID: 1717265). Invitae Evidence Modeling of protein sequence and biophysical properties (such as structural, functional, and spatial information, amino acid conservation, physicochemical variation, residue mobility, and thermodynamic stability) has been performed for this missense variant. However, the output from this modeling did not meet the statistical confidence thresholds required to predict the impact of this variant on SCN9A protein function. In summary, the available evidence is currently insufficient to determine the role of this variant in disease. Therefore, it has been classified as a Variant of Uncertain Significance.

NM_001365536.1(SCN9A):c.1052T>C (p.Phe351Ser)

Genes: SCN9A (sodium voltage-gated channel alpha subunit 9; minus strand), SCN1A-AS1 (SCN1A and SCN9A antisense RNA 1; plus strand). Cytogenetic location: 2q24.3.
Variant type: single nucleotide variant.
Coding change: c.1052T>C on transcript NM_001365536.1 (MANE Select); coding-DNA position 1052, T replaced by C.
Protein change: p.Phe351Ser; replaces phenylalanine 351 with serine.
Molecular consequence: missense variant.
Genome position (GRCh38, 1-based): chr2:166,293,286, A>G on the plus strand (T>C on the coding strand, the complement: SCN9A is on the minus strand). VCF-style: chr2-166293286-A-G. GRCh37 (hg19) VCF-style: chr2-167149796-A-G.
Other names: c.1052T>C, p.Phe351Ser (NM_002977.4); short protein forms F351S.
Identifiers: ClinVar variation 1717265 (VCV001717265.6), dbSNP rs1218174644, ClinGen allele CA349089009.